The following is an entry in ClinVar:

ClinVar aggregate classification (germline): Uncertain significance (1 of 4 stars; one submission).

Allele frequency attached by ClinVar (database versions not stated): gnomAD exomes below 0.00001; TOPMed below 0.00001.
gnomAD v4.1: 2 of 1,614,054 alleles (0.00012%); highest among the groups gnomAD compares: Middle Eastern, 0.033%; no homozygotes.

Submission:

Labcorp Genetics (formerly Invitae), Labcorp
Classification: Uncertain significance. Last evaluated: 2022-09-07. Review status: criteria provided, single submitter. Criteria: Invitae Variant Classification Sherloc (09022015). Collection method: clinical testing. Allele origin: germline.
Comment: This sequence change replaces histidine, which is basic and polar, with arginine, which is basic and polar, at codon 2296 of the ANK3 protein (p.His2296Arg). This variant is not present in population databases (gnomAD no frequency). This variant has not been reported in the literature in individuals affected with ANK3-related conditions. Algorithms developed to predict the effect of missense changes on protein structure and function are either unavailable or do not agree on the potential impact of this missense change (SIFT: "Not Available"; PolyPhen-2: "Probably Damaging"; Align-GVGD: "Not Available"). In summary, the available evidence is currently insufficient to determine the role of this variant in disease. Therefore, it has been classified as a Variant of Uncertain Significance.

NM_020987.5(ANK3):c.6887A>G (p.His2296Arg)

Genes: ANK3 (ankyrin 3; minus strand), LOC130003862 (ATAC-STARR-seq lymphoblastoid active region 3393; plus strand). Cytogenetic location: 10q21.2.
Variant type: single nucleotide variant.
Coding change: c.6887A>G on transcript NM_020987.5 (MANE Select); coding-DNA position 6887, A replaced by G.
Protein change: p.His2296Arg; replaces histidine 2296 with arginine.
Molecular consequence: missense variant. On other transcripts: intron variant (4).
Genome position (GRCh38, 1-based): chr10:60,073,994, T>C on the plus strand (A>G on the coding strand, the complement: ANK3 is on the minus strand). VCF-style: chr10-60073994-T-C. GRCh37 (hg19) VCF-style: chr10-61833752-T-C.
Other names: c.4388-5985A>G (NM_001204403.2); c.4409-5985A>G (NM_001204404.2); c.4406-5985A>G (NM_001320874.2); c.1808-5985A>G (NM_001149.4); short protein forms H2296R.
Identifiers: ClinVar variation 1924614 (VCV001924614.5), dbSNP rs1483767778, ClinGen allele CA377011701.
Genomic context (GRCh38, chr10:60,073,994, plus strand): 5'-GCATGCTGGGCTGAGGTTTCAGCAGCAGACTTGTGAACATCTGGAGACACTGCCGACTTA[T>C]GTTCAAACAGACCTGCCAGTTCTTTGGAAGGATCCCGCCCGGACTGAAAGGCCTTCATGA-3'
Protein context (NP_066267.2, residues 2286-2306): PSKELAGLFE[His2296Arg]KSAVSPDVHK